The following is an entry in ClinVar:

NM_001127198.5(TMC6):c.208C>T (p.Pro70Ser)

Gene: TMC6 (transmembrane channel like 6; minus strand). Cytogenetic location: 17q25.3.
Variant type: single nucleotide variant.
Coding change: c.208C>T on transcript NM_001127198.5 (MANE Select); coding-DNA position 208, C replaced by T.
Protein change: p.Pro70Ser; replaces proline 70 with serine.
Molecular consequence: missense variant.
Genome position (GRCh38, 1-based): chr17:78,126,340, G>A on the plus strand (C>T on the coding strand, the complement: TMC6 is on the minus strand). VCF-style: chr17-78126340-G-A. GRCh37 (hg19) VCF-style: chr17-76122421-G-A.
Other names: c.208C>T, p.Pro70Ser (NM_001321185.1, NM_001374593.1, NM_001374594.1 and 4 more transcripts); short protein forms P70S.
Identifiers: ClinVar variation 971550 (VCV000971550.7), dbSNP rs1159157986, ClinGen allele CA401236144.
Genomic context (GRCh38, chr17:78,126,340, plus strand): 5'-TGGTGCGGCTGGGCATGCTGGCCAGGATGCGGAGTGTGGCCGTGCTCTGGGTGCCCTCGG[G>A]CCGCCAGAGTGTCTGCTGGCTACTTCCTACAAAGCAAGAAAGACTCACCAGGGGTCCTGG-3'
Protein context (NP_001120670.1, residues 60-80): TGSSQQTLWR[Pro70Ser]EGTQSTATLR

ClinVar aggregate classification (germline): Uncertain significance (1 of 4 stars; one submission).

Conditions:
Epidermodysplasia verruciformis. Identifiers: Orphanet 302, MedGen C0014522, MONDO:0009176.

Allele frequency attached by ClinVar (database versions not stated): gnomAD exomes below 0.00001; TOPMed below 0.00001.
gnomAD v4.1: 5 of 1,581,992 alleles (0.00032%); highest among the groups gnomAD compares: Non-Finnish European, 0.00043%; no homozygotes.

Submission:

Labcorp Genetics (formerly Invitae), Labcorp
Classification: Uncertain significance for Epidermodysplasia verruciformis. Last evaluated: 2019-10-06. Review status: criteria provided, single submitter. Criteria: Invitae Variant Classification Sherloc (09022015). Collection method: clinical testing. Allele origin: germline.
Comment: In summary, the available evidence is currently insufficient to determine the role of this variant in disease. Therefore, it has been classified as a Variant of Uncertain Significance. Algorithms developed to predict the effect of missense changes on protein structure and function output the following: SIFT: "Tolerated"; PolyPhen-2: "Benign"; Align-GVGD: "Class C0". The serine amino acid residue is found in multiple mammalian species, suggesting that this missense change does not adversely affect protein function. These predictions have not been confirmed by published functional studies and their clinical significance is uncertain. This variant has not been reported in the literature in individuals with TMC6-related conditions. This variant is not present in population databases (ExAC no frequency). This sequence change replaces proline with serine at codon 70 of the TMC6 protein (p.Pro70Ser). The proline residue is weakly conserved and there is a moderate physicochemical difference between proline and serine.